The following is an entry in ClinVar:

ClinVar aggregate classification (germline): Conflicting classifications of pathogenicity. Review status: criteria provided, conflicting classifications (1 of 4 stars). 4 submissions from 4 submitters: Uncertain significance (2); Benign (1); Likely benign (1). Last evaluated 2026-02-02.

Conditions:
Neurofibromatosis, type 1 (NF1). Also called: VON RECKLINGHAUSEN DISEASE; NEUROFIBROMATOSIS, TYPE I, SOMATIC; Peripheral type neurofibromatosis; Neurofibromatosis, type I. Identifiers: Orphanet 636, MedGen C0027831, MONDO:0018975, OMIM 162200. Disease mechanism: loss of function.
Cardiovascular phenotype. Identifiers: MedGen CN230736.
Hereditary cancer-predisposing syndrome. Also called: Neoplastic Syndromes, Hereditary; Tumor predisposition; Hereditary neoplastic syndrome; Hereditary Cancer Syndrome. Identifiers: Orphanet 140162, MedGen C0027672, MeSH D009386, MONDO:0015356.

Allele frequency attached by ClinVar (database versions not stated): gnomAD exomes below 0.00001; TOPMed below 0.00001; gnomAD 0.00001.
gnomAD v4.1: 5 of 1,613,744 alleles (0.00031%); highest among the groups gnomAD compares: Non-Finnish European, 0.00034%; no homozygotes.

Submissions (4):

Labcorp Genetics (formerly Invitae), Labcorp
Classification: Benign for Neurofibromatosis, type 1. Last evaluated: 2026-02-02. Review status: criteria provided, single submitter. Criteria: Invitae Variant Classification Sherloc (09022015). Collection method: clinical testing. Allele origin: germline.

Ambry Genetics
Classification: Likely benign for Cardiovascular phenotype; Hereditary cancer-predisposing syndrome. Last evaluated: 2024-08-19. Review status: criteria provided, single submitter. Criteria: Ambry Variant Classification Scheme 2023. Collection method: clinical testing. Allele origin: germline.

GeneDx
Classification: Uncertain significance. Last evaluated: 2024-06-17. Review status: criteria provided, single submitter. Criteria: GeneDx Variant Classification Process June 2021. Collection method: clinical testing. Allele origin: germline. Affected: yes.
Comment: Not observed at significant frequency in large population cohorts (gnomAD); In silico analysis indicates that this missense variant does not alter protein structure/function; Has not been previously published as pathogenic or benign to our knowledge

Genome-Nilou Lab
Classification: Uncertain significance for Neurofibromatosis, type 1. Last evaluated: 2022-03-15. Review status: criteria provided, single submitter. Criteria: ACMG Guidelines, 2015. Collection method: clinical testing. Allele origin: germline. Affected: no.

NM_001042492.3(NF1):c.853T>G (p.Ser285Ala)

Gene: NF1 (neurofibromin 1; plus strand). Cytogenetic location: 17q11.2.
Variant type: single nucleotide variant.
Coding change: c.853T>G on transcript NM_001042492.3 (MANE Select); coding-DNA position 853, T replaced by G.
Protein change: p.Ser285Ala; replaces serine 285 with alanine.
Molecular consequence: missense variant.
Genome position (GRCh38, 1-based): chr17:31,182,630, T>G. VCF-style: chr17-31182630-T-G. GRCh37 (hg19) VCF-style: chr17-29509648-T-G.
Other names: c.853T>G, p.Ser285Ala (NM_000267.4, NM_001128147.3); short protein forms S285A.
Identifiers: ClinVar variation 527593 (VCV000527593.15), dbSNP rs1555608981, ClinGen allele CA398991136.